The following is an entry in ClinVar:

NM_002055.5(GFAP):c.720G>T (p.Thr240=)

Gene: GFAP (glial fibrillary acidic protein; minus strand). Cytogenetic location: 17q21.31.
Variant type: single nucleotide variant.
Coding change: c.720G>T on transcript NM_002055.5 (MANE Select); coding-DNA position 720, G replaced by T.
Protein change: p.Thr240=; no amino-acid change (threonine 240 retained).
Molecular consequence: synonymous variant.
Genome position (GRCh38, 1-based): chr17:44,913,329, C>A on the plus strand (G>T on the coding strand, the complement: GFAP is on the minus strand). VCF-style: chr17-44913329-C-A. GRCh37 (hg19) VCF-style: chr17-42990697-C-A.
Other names: c.720G>T, p.Thr240= (NM_001131019.3, NM_001242376.3, NM_001363846.2).
Identifiers: ClinVar variation 323615 (VCV000323615.53), dbSNP rs2229012, ClinGen allele CA8608877.
Genomic context (GRCh38, chr17:44,913,329, plus strand): 5'-CTTGGAGCGGTACCACTCTTCGGCTTCATGCATGTTGCTGGACGCCATTGCCTCATACTG[C>A]GTGCGGATCTCTTTCAGGGCTGCGGTGAGGTCTGGCTTGGCCACGTCAAGCTCCACATGG-3'
Protein context (NP_002046.1, residues 230-250): DLTAALKEIR[Thr240=]QYEAMASSNM

ClinVar aggregate classification (germline): Benign/Likely benign. Review status: criteria provided, multiple submitters, no conflicts (2 of 4 stars). 9 submissions from 9 submitters: Benign (6); Likely benign (1). 2 of the submissions do not count toward it. Last evaluated 2026-09-01.

Conditions:
Alexander disease (ALXDRD). Also called: Alexander's disease. Identifiers: Orphanet 58, MedGen C0270726, MONDO:0008752, OMIM 203450.
GFAP-related disorder. Also called: GFAP-related disorders; GFAP-related condition.

Allele frequency attached by ClinVar (database versions not stated): 1000 Genomes Project 30x 0.00297; 1000 Genomes Project 0.00300; gnomAD 0.00494; ExAC 0.00544; gnomAD exomes 0.00559; TOPMed 0.00561; ESP Exome Variant Server 0.00592.
gnomAD v4.1: 11,589 of 1,614,160 alleles (0.72%); highest among the groups gnomAD compares: Non-Finnish European, 0.82%; 48 homozygotes.

Submissions (9):

CeGaT Center for Human Genetics Tuebingen
Classification: Benign. Last evaluated: 2026-09-01. Review status: criteria provided, single submitter. Criteria: CeGaT Center For Human Genetics Tuebingen Variant Classification Criteria Version 2. Collection method: clinical testing. Allele origin: germline. Affected: yes. Observed: 54 variant alleles.
Comment: GFAP: BP4, BP7, BS1, BS2

Labcorp Genetics (formerly Invitae), Labcorp
Classification: Benign. Last evaluated: 2026-01-26. Review status: criteria provided, single submitter. Criteria: Invitae Variant Classification Sherloc (09022015). Collection method: clinical testing. Allele origin: germline.

ARUP Laboratories, Molecular Genetics and Genomics, ARUP Laboratories
Classification: Benign for Alexander disease. Last evaluated: 2025-03-31. Review status: criteria provided, single submitter. Criteria: ARUP Molecular Germline Variant Investigation Process 2024. Collection method: clinical testing. Allele origin: germline.

Blueprint Genetics
Classification: Likely benign. Last evaluated: 2024-11-27. Review status: criteria provided, single submitter. Criteria: ACMG Guidelines, 2015. Collection method: clinical testing. Allele origin: germline.

Athena Diagnostics
Classification: Benign. Last evaluated: 2024-10-25. Review status: criteria provided, single submitter. Criteria: Athena Diagnostics Criteria. Collection method: clinical testing. Allele origin: unknown.

GeneDx
Classification: Benign. Last evaluated: 2015-03-03. Review status: criteria provided, single submitter. Criteria: GeneDx Variant Classification Process June 2021. Collection method: clinical testing. Allele origin: germline. Affected: yes.

Breakthrough Genomics
Classification: Benign. Review status: criteria provided, single submitter. Criteria: ACMG Guidelines, 2015. Collection method: not provided. Allele origin: germline. Inheritance: Autosomal dominant inheritance. Affected: yes.

PreventionGenetics, part of Exact Sciences
Classification: Benign for GFAP-related condition. Last evaluated: 2019-07-02. Review status: no assertion criteria provided. Collection method: clinical testing. Allele origin: germline. Not counted in ClinVar's aggregate classification.
Comment: This variant is classified as benign based on ACMG/AMP sequence variant interpretation guidelines (Richards et al. 2015 PMID: 25741868, with internal and published modifications).

Mayo Clinic Laboratories, Mayo Clinic
Classification: Likely benign. Last evaluated: 2018-02-07. Review status: no assertion criteria provided. Collection method: clinical testing. Allele origin: unknown. Not counted in ClinVar's aggregate classification.